The following is an entry in ClinVar:

ClinVar aggregate classification (germline): Uncertain significance (1 of 4 stars; one submission).

Conditions:
Breast-ovarian cancer, familial, susceptibility to, 4. Identifiers: Orphanet 145, MedGen C3280345, MONDO:0013669, OMIM 614291.

Submission:

Labcorp Genetics (formerly Invitae), Labcorp
Classification: Uncertain significance for Breast-ovarian cancer, familial, susceptibility to, 4. Last evaluated: 2022-05-27. Review status: criteria provided, single submitter. Criteria: Invitae Variant Classification Sherloc (09022015). Collection method: clinical testing. Allele origin: germline.
Comment: This variant results in a copy number gain of the genomic region encompassing exon(s) 1-3 of the RAD51D gene. This region includes the initiator codon of the gene. This copy number gain extends beyond the assayed region for this gene and therefore may encompass additional genes. As the precise location of this event is unknown, it may be in tandem or it may be located elsewhere in the genome. This variant has not been reported in the literature in individuals affected with RAD51D-related conditions. Experimental studies and prediction algorithms are not available or were not evaluated, and the functional significance of this variant is currently unknown. In summary, the available evidence is currently insufficient to determine the role of this variant in disease. Therefore, it has been classified as a Variant of Uncertain Significance.

NC_000017.10:g.(?_33445500)_(33446632_?)dup

Gene: RAD51D (RAD51 paralog D; minus strand). Cytogenetic location: 17q12.
Variant type: Duplication.
Identifiers: ClinVar variation 2424558 (VCV002424558.3).